The following is an entry in ClinVar:

ClinVar aggregate classification (germline): Uncertain significance (1 of 4 stars; one submission).

Conditions:
Joubert syndrome. Also called: CEREBELLOPARENCHYMAL DISORDER IV; JOUBERT-BOLTSHAUSER SYNDROME; Familial aplasia of the vermis. Identifiers: Orphanet 475, MedGen C5979921, MONDO:0018772.
Meckel-Gruber syndrome. Also called: DYSENCEPHALIA SPLANCHNOCYSTICA; GRUBER SYNDROME; Dysencephalia splachnocystica. Identifiers: Orphanet 564, MedGen C0265215, MONDO:0018921.

Submission:

Labcorp Genetics (formerly Invitae), Labcorp
Classification: Uncertain significance for Joubert syndrome; Meckel-Gruber syndrome. Last evaluated: 2022-03-04. Review status: criteria provided, single submitter. Criteria: Invitae Variant Classification Sherloc (09022015). Collection method: clinical testing. Allele origin: germline.
Comment: This variant has not been reported in the literature in individuals affected with TCTN2-related conditions. Algorithms developed to predict the effect of missense changes on protein structure and function (SIFT, PolyPhen-2, Align-GVGD) all suggest that this variant is likely to be tolerated. In summary, the available evidence is currently insufficient to determine the role of this variant in disease. Therefore, it has been classified as a Variant of Uncertain Significance. This sequence change replaces asparagine, which is neutral and polar, with serine, which is neutral and polar, at codon 643 of the TCTN2 protein (p.Asn643Ser). This variant is not present in population databases (gnomAD no frequency).

NM_024809.5(TCTN2):c.1928A>G (p.Asn643Ser)

Gene: TCTN2 (tectonic family member 2; plus strand). Cytogenetic location: 12q24.31.
Variant type: single nucleotide variant.
Coding change: c.1928A>G on transcript NM_024809.5 (MANE Select); coding-DNA position 1928, A replaced by G.
Protein change: p.Asn643Ser; replaces asparagine 643 with serine.
Molecular consequence: missense variant.
Genome position (GRCh38, 1-based): chr12:123,707,017, A>G. VCF-style: chr12-123707017-A-G. GRCh37 (hg19) VCF-style: chr12-124191564-A-G.
Other names: c.1925A>G, p.Asn642Ser (NM_001143850.3); c.1793A>G, p.Asn598Ser (NM_001410989.1); short protein forms N598S, N642S, N643S.
Identifiers: ClinVar variation 2106463 (VCV002106463.4), dbSNP rs2541811370, ClinGen allele CA387148915.